The following is an entry in ClinVar:

NM_000443.4(ABCB4):c.2363G>T (p.Arg788Leu)

Gene: ABCB4 (ATP binding cassette subfamily B member 4; minus strand). Cytogenetic location: 7q21.12.
Variant type: single nucleotide variant.
Coding change: c.2363G>T on transcript NM_000443.4 (MANE Select); coding-DNA position 2363, G replaced by T.
Protein change: p.Arg788Leu; replaces arginine 788 with leucine.
Molecular consequence: missense variant.
Genome position (GRCh38, 1-based): chr7:87,420,029, C>A on the plus strand (G>T on the coding strand, the complement: ABCB4 is on the minus strand). VCF-style: chr7-87420029-C-A. GRCh37 (hg19) VCF-style: chr7-87049345-C-A.
Other names: c.2363G>T, p.Arg788Leu (NM_018849.3, NM_018850.3); short protein forms R788L.
Identifiers: ClinVar variation 4846609 (VCV004846609.1).

ClinVar aggregate classification (germline): Uncertain significance (1 of 4 stars; one submission).

Conditions:
Familial intrahepatic cholestasis. Identifiers: Orphanet 284385, MedGen CN296401, MONDO:0017290.
Low phospholipid associated cholelithiasis (GBD1). Also called: Gallbladder disease 1; Gallstone cholecystitis. Identifiers: Orphanet 69663, MedGen C2609268, MONDO:0010939, OMIM 600803.

gnomAD v4.1: 11 of 1,614,034 alleles (0.00068%); highest among the groups gnomAD compares: South Asian, 0.0099%; no homozygotes.

Submission:

Genomenon, Inc
Classification: Uncertain significance for Familial intrahepatic cholestasis; Low phospholipid associated cholelithiasis. Last evaluated: 2026-04-14. Review status: criteria provided, single submitter. Criteria: Genomenon Sequence Variant Interpretation Standards - Updated. Collection method: curation. Allele origin: germline. Affected: no.
Comment: ABCB4 p.Arg788Leu (c.2363G>T) is a missense variant that changes the amino acid at residue 788 from Arginine to Leucine. This variant has been reported in the published literature (PMID:37208429). It is absent or not present at a significant frequency in gnomAD. In silico models predict that this variant is possibly or probably damaging. In conclusion, we classify ABCB4 p.Arg788Leu (c.2363G>T) as a variant of uncertain significance.

Literature cited by the submitters: PubMed 37208429.